The following is an entry in ClinVar:

ClinVar aggregate classification (germline): Likely benign. Review status: criteria provided, multiple submitters, no conflicts (2 of 4 stars). 4 submissions from 4 submitters: Likely benign (3). 1 of the submissions does not count toward it. Last evaluated 2025-06-18.

Conditions:
CEP250-related disorder. Also called: CEP250-related condition.

Allele frequency attached by ClinVar (database versions not stated): gnomAD exomes 0.00004 and 0.00010; ExAC 0.00012; 1000 Genomes Project 0.00020; ESP Exome Variant Server 0.00023; 1000 Genomes Project 30x 0.00031; gnomAD 0.00040 and 0.00043.
gnomAD v4.1: 113 of 1,614,144 alleles (0.007%); highest among the groups gnomAD compares: African/African-American, 0.15%; no homozygotes.

Submissions (4):

Labcorp Genetics (formerly Invitae), Labcorp
Classification: Likely benign. Last evaluated: 2025-06-18. Review status: criteria provided, single submitter. Criteria: Invitae Variant Classification Sherloc (09022015). Collection method: clinical testing. Allele origin: germline.

Blueprint Genetics
Classification: Likely benign. Last evaluated: 2022-10-26. Review status: criteria provided, single submitter. Criteria: ACMG Guidelines, 2015. Collection method: clinical testing. Allele origin: germline.

Breakthrough Genomics
Classification: Likely benign. Review status: criteria provided, single submitter. Criteria: ACMG Guidelines, 2015. Collection method: not provided. Allele origin: germline. Inheritance: Autosomal recessive inheritance. Affected: yes.

PreventionGenetics, part of Exact Sciences
Classification: Likely benign for CEP250-related condition. Last evaluated: 2019-09-16. Review status: no assertion criteria provided. Collection method: clinical testing. Allele origin: germline. Not counted in ClinVar's aggregate classification.
Comment: This variant is classified as likely benign based on ACMG/AMP sequence variant interpretation guidelines (Richards et al. 2015 PMID: 25741868, with internal and published modifications).

NM_007186.6(CEP250):c.3207T>G (p.Leu1069=)

Gene: CEP250 (centrosomal protein 250; plus strand). Cytogenetic location: 20q11.22.
Variant type: single nucleotide variant.
Coding change: c.3207T>G on transcript NM_007186.6 (MANE Select); coding-DNA position 3207, T replaced by G.
Protein change: p.Leu1069=; no amino-acid change (leucine 1069 retained).
Molecular consequence: synonymous variant.
Genome position (GRCh38, 1-based): chr20:35,496,616, T>G. VCF-style: chr20-35496616-T-G. GRCh37 (hg19) VCF-style: chr20-34084445-T-G.
Other names: c.1311T>G, p.Leu437= (NM_001318219.1); c.3207T>G (NM_007186.5).
Identifiers: ClinVar variation 1113796 (VCV001113796.13), dbSNP rs61729981, ClinGen allele CA9833418.